The following is an entry in ClinVar:

ClinVar aggregate classification (germline): Uncertain significance (1 of 4 stars; one submission).

Conditions:
Cardiovascular phenotype. Identifiers: MedGen CN230736.

Submission:

Ambry Genetics
Classification: Uncertain significance for Cardiovascular phenotype. Last evaluated: 2021-04-07. Review status: criteria provided, single submitter. Criteria: Ambry Variant Classification Scheme 2023. Collection method: clinical testing. Allele origin: germline.
Comment: The p.P1281Q variant (also known as c.3842C>A), located in coding exon 31 of the RYR2 gene, results from a C to A substitution at nucleotide position 3842. The proline at codon 1281 is replaced by glutamine, an amino acid with similar properties. This amino acid position is highly conserved in available vertebrate species. In addition, this alteration is predicted to be deleterious by in silico analysis. Since supporting evidence is limited at this time, the clinical significance of this alteration remains unclear.

NM_001035.3(RYR2):c.3842C>A (p.Pro1281Gln)

Genes: RYR2 (ryanodine receptor 2; plus strand), LOC126806067 (BRD4-independent group 4 enhancer GRCh37_chr1:237753258-237754457; plus strand). Cytogenetic location: 1q43.
Variant type: single nucleotide variant.
Coding change: c.3842C>A on transcript NM_001035.3 (MANE Select); coding-DNA position 3842, C replaced by A.
Protein change: p.Pro1281Gln; replaces proline 1281 with glutamine.
Molecular consequence: missense variant.
Genome position (GRCh38, 1-based): chr1:237,590,674, C>A. VCF-style: chr1-237590674-C-A. GRCh37 (hg19) VCF-style: chr1-237753974-C-A.
Other names: short protein forms P1281Q.
Identifiers: ClinVar variation 1735446 (VCV001735446.2), dbSNP rs2546613475, ClinGen allele CA345397191.
Genomic context (GRCh38, chr1:237,590,674, plus strand): 5'-TGAACTATCGCTTCTTCGTTTGCTAGGTGACCAGAATAGACGGCACCATAGACAGTTCCC[C>A]ATGTTTAAAGGTCACTCAGAAGTCTTTTGGTTCTCAGAACAGCAACACTGATATCATGTT-3'
Protein context (NP_001026.2, residues 1271-1291): TRIDGTIDSS[Pro1281Gln]CLKVTQKSFG